The following is an entry in ClinVar:

NM_198428.3(BBS9):c.1789+1G>T

Gene: BBS9 (Bardet-Biedl syndrome 9; plus strand). Cytogenetic location: 7p14.3.
Variant type: single nucleotide variant.
Coding change: c.1789+1G>T on transcript NM_198428.3 (MANE Select); the canonical splice donor site of the intron after coding-DNA position 1789, G replaced by T.
Molecular consequence: splice donor variant.
Genome position (GRCh38, 1-based): chr7:33,367,863, G>T. VCF-style: chr7-33367863-G-T. GRCh37 (hg19) VCF-style: chr7-33407475-G-T.
Other names: c.1789+1G>T (NM_001348036.1, NM_001362679.1, NM_001348041.4 and 1 more transcripts); c.1516+1G>T (NM_001348038.3); c.1411+1G>T (NM_001348039.3); c.1774+1G>T (NM_001033605.2); c.1684+1G>T (NM_001033604.2); c.1669+1G>T (NM_014451.4, NM_001348040.3); c.1423+1G>T (NM_001348037.3, NM_001348045.3, NM_001348046.3); c.1654+1G>T (NM_001348042.3); and 1 more.
Identifiers: ClinVar variation 570972 (VCV000570972.10), dbSNP rs201938124, ClinGen allele CA4214489.

ClinVar aggregate classification (germline): Pathogenic/Likely pathogenic. Review status: criteria provided, multiple submitters, no conflicts (2 of 4 stars). 2 submissions from 2 submitters: Pathogenic (1); Likely pathogenic (1). Last evaluated 2025-07-01.

Conditions:
BBS9-related disorder. Also called: BBS9-related condition.
Bardet-Biedl syndrome (BBS). Identifiers: Orphanet 110, MedGen C0752166, MONDO:0015229.

Allele frequency attached by ClinVar (database versions not stated): 1000 Genomes Project 30x 0.00016; 1000 Genomes Project 0.00020.
gnomAD v4.1: 5 of 1,613,010 alleles (0.00031%); highest among the groups gnomAD compares: African/African-American, 0.004%; no homozygotes.

Submissions (2):

PreventionGenetics, part of Exact Sciences
Classification: Likely pathogenic for BBS9-related condition. Last evaluated: 2025-07-01. Review status: criteria provided, single submitter. Criteria: ACMG Guidelines, 2015. Collection method: clinical testing. Allele origin: germline.
Comment: The BBS9 c.1789+1G>T variant is predicted to disrupt the GT donor site and interfere with normal splicing. This variant has not been reported in the literature in association with Bardet-Biedl syndrome 9. Alternate nucleotide changes at the same genomic position (c.1789+1G>A, c.1789+1G>C) have been reported in the compound heterozygous state in individuals affected with Bardet-Biedl syndrome 9 (Nishimura et al. 2005. PubMed ID: 16380913; Jeziorny et al. 2020. PubMed ID: 33138063). This variant is reported in 0.0062% of alleles in individuals of African descent in gnomAD. Variants that disrupt the consensus splice donor site in BBS9 are expected to be pathogenic. This variant is interpreted as likely pathogenic.

Labcorp Genetics (formerly Invitae), Labcorp
Classification: Pathogenic for Bardet-Biedl syndrome. Last evaluated: 2023-10-11. Review status: criteria provided, single submitter. Criteria: Invitae Variant Classification Sherloc (09022015). Collection method: clinical testing. Allele origin: germline.
Comment: This sequence change affects a donor splice site in intron 17 of the BBS9 gene. It is expected to disrupt RNA splicing. Variants that disrupt the donor or acceptor splice site typically lead to a loss of protein function (PMID: 16199547), and loss-of-function variants in BBS9 are known to be pathogenic (PMID: 16380913, 20177705). This variant is present in population databases (rs201938124, gnomAD 0.007%). Disruption of this splice site has been observed in individual(s) with Bardet-Biedl syndrome (PMID: 16380913, 33138063). In at least one individual the data is consistent with being in trans (on the opposite chromosome) from a pathogenic variant. ClinVar contains an entry for this variant (Variation ID: 570972). Algorithms developed to predict the effect of sequence changes on RNA splicing suggest that this variant may disrupt the consensus splice site. For these reasons, this variant has been classified as Pathogenic.

Literature cited by the submitters: PubMed 16199547 (cited by Labcorp Genetics (formerly Invitae), Labcorp); PubMed 16380913 (cited by Labcorp Genetics (formerly Invitae), Labcorp); PubMed 20177705 (cited by Labcorp Genetics (formerly Invitae), Labcorp); PubMed 33138063 (cited by Labcorp Genetics (formerly Invitae), Labcorp).